The following is an entry in ClinVar:

NM_001182.5(ALDH7A1):c.500del (p.Pro167fs)

Gene: ALDH7A1 (aldehyde dehydrogenase 7 family member A1; minus strand). Cytogenetic location: 5q23.2.
Variant type: Deletion.
Coding change: c.500del on transcript NM_001182.5 (MANE Select); coding-DNA position 500, one base deleted (C; older notation c.500delC).
Protein change: p.Pro167fs; shifts the reading frame from proline 167.
Molecular consequence: frameshift variant.
Genome position (GRCh38, 1-based): chr5:126,582,868, G deleted on the plus strand (C on the coding strand, the reverse complement: ALDH7A1 is on the minus strand); the first of 2 consecutive G bases (chr5:126,582,868-126,582,869); deleting either gives the same sequence. VCF-style (leftmost placement, unchanged base first): chr5-126582867-AG-A. GRCh37 (hg19) VCF-style: chr5-125918559-AG-A.
Other names: c.416del, p.Pro139fs (NM_001201377.2); c.500del, p.Pro167fs (NM_001202404.2); short protein forms P139fs, P167fs.
Identifiers: ClinVar variation 1709791 (VCV001709791.2), dbSNP rs2480337940, ClinGen allele CA2580072513.

ClinVar aggregate classification (germline): Pathogenic (1 of 4 stars; one submission).

Conditions:
Pyridoxine-dependent epilepsy (EPEO4). Also called: EPILEPSY, EARLY-ONSET, 4, VITAMIN B6-DEPENDENT; PYRIDOXINE DEPENDENCY WITH SEIZURES; Pyridoxine-Dependent Seizures; Pyridoxine-Dependent Epilepsy - ALDH7A1. Identifiers: Orphanet 3006, MedGen C1849508, MONDO:0009945, OMIM 266100. Disease mechanism: loss of function.

Submission:

MGZ Medical Genetics Center
Classification: Pathogenic for Pyridoxine-dependent epilepsy. Last evaluated: 2021-09-23. Review status: criteria provided, single submitter. Criteria: ACMG Guidelines, 2015. Collection method: clinical testing. Allele origin: germline. Affected: yes. Observed: 1 variant allele.
Comment: ACMG criteria applied: PVS1, PM1, PM3, PM2_SUP